The following is an entry in ClinVar:

ClinVar aggregate classification (germline): Conflicting classifications of pathogenicity. Review status: criteria provided, conflicting classifications (1 of 4 stars). 6 submissions from 6 submitters: Uncertain significance (3); Likely benign (2). 1 of the submissions does not count toward it. Last evaluated 2026-01-09.

Conditions:
TJP2-related disorder. Also called: TJP2-related condition.

Allele frequency attached by ClinVar (database versions not stated): gnomAD 0.00010 and 0.00017; TOPMed 0.00010; gnomAD exomes 0.00023 and 0.00029; ExAC 0.00032; 1000 Genomes Project 30x 0.00047; 1000 Genomes Project 0.00060.
gnomAD v4.1: 446 of 1,613,948 alleles (0.028%); highest among the groups gnomAD compares: East Asian, 0.77%; 3 homozygotes.

Submissions (8):

GeneDx
Classification: Uncertain significance. Last evaluated: 2026-01-09. Review status: criteria provided, single submitter. Criteria: GeneDx Variant Classification Process June 2021. Collection method: clinical testing. Allele origin: germline. Affected: yes.
Comment: Identified in a patient with nonsyndromic hearing loss in published literature, however, other potential genetic causes were not ruled out (PMID: 24752540); In silico analysis supports that this missense variant has a deleterious effect on protein structure/function; This variant is associated with the following publications: (PMID: 31450555, 32942997, 24752540, 34912366, 39336818, 34426522)

Labcorp Genetics (formerly Invitae), Labcorp
Classification: Likely benign. Last evaluated: 2025-11-17. Review status: criteria provided, single submitter. Criteria: Invitae Variant Classification Sherloc (09022015). Collection method: clinical testing. Allele origin: germline.

CeGaT Center for Human Genetics Tuebingen
Classification: Likely benign. Last evaluated: 2025-11-01. Review status: criteria provided, single submitter. Criteria: CeGaT Center For Human Genetics Tuebingen Variant Classification Criteria Version 2. Collection method: clinical testing. Allele origin: germline. Affected: yes. Observed: 1 variant allele.
Comment: TJP2: BS1

Blueprint Genetics
Classification: Uncertain significance. Last evaluated: 2024-10-31. Review status: criteria provided, single submitter. Criteria: ACMG Guidelines, 2015. Collection method: clinical testing. Allele origin: germline.

Eurofins Ntd Llc (ga)
Classification: Uncertain significance. Last evaluated: 2018-07-09. Review status: criteria provided, single submitter. Criteria: EGL ClinVar v180209 classification definitions. Collection method: clinical testing. Allele origin: germline. Observed: 1 variant allele, 1 heterozygote.

PreventionGenetics, part of Exact Sciences
Classification: Uncertain significance for TJP2-related condition. Last evaluated: 2024-05-09. Review status: no assertion criteria provided. Collection method: clinical testing. Allele origin: germline. Not counted in ClinVar's aggregate classification.
Comment: The TJP2 c.334G>A variant is predicted to result in the amino acid substitution p.Ala112Thr. This variant has been reported in two patients with non-syndromic hearing loss from a single family (Kim et al 2014. PubMed ID: 24752540), and in one patient with intrahepatic cholestasis of pregnancy (described as Ala143Thr, Liu et al 2020. PubMed ID: 32942997). This variant is reported in 0.19% of alleles in individuals of East Asian descent in gnomAD. This frequency is high for fully penetrant pathogenic variant in this gene, and conclusive evidence of pathogenicity was not presented in either of the aforementioned studies. At this time, the clinical significance of this variant is uncertain due to the absence of conclusive functional and genetic evidence.

Dr. Peter K. Rogan Lab, Western University
No classification provided (evidence only). Condition: Clear cell carcinoma of kidney. Review status: no classification provided. Collection method: in vitro. Allele origin: not applicable. Functional consequence: retained intron. Not counted in ClinVar's aggregate classification.

Dr. Peter K. Rogan Lab, Western University
No classification provided (evidence only). Condition: Gastric cancer. Review status: no classification provided. Collection method: in vitro. Allele origin: not applicable. Functional consequence: retained intron. Not counted in ClinVar's aggregate classification.

Literature cited by the submitters: PubMed 24752540 (cited by Eurofins Ntd Llc (ga)).

NM_004817.4(TJP2):c.334G>A (p.Ala112Thr)

Gene: TJP2 (tight junction protein 2; plus strand). Cytogenetic location: 9q21.11.
Variant type: single nucleotide variant.
Coding change: c.334G>A on transcript NM_004817.4 (MANE Select); coding-DNA position 334, G replaced by A.
Protein change: p.Ala112Thr; replaces alanine 112 with threonine.
Molecular consequence: missense variant.
Genome position (GRCh38, 1-based): chr9:69,218,351, G>A. VCF-style: chr9-69218351-G-A. GRCh37 (hg19) VCF-style: chr9-71833267-G-A.
Other names: c.265G>A, p.Ala89Thr (NM_001170414.2, NM_001369870.1, NM_001369871.1); c.346G>A, p.Ala116Thr (NM_001170415.1, NM_001369874.1, NM_001369875.1); c.427G>A, p.Ala143Thr (NM_001170416.2); c.334G>A, p.Ala112Thr (NM_001369872.1, NM_001369873.1, NM_201629.3 and 1 more transcripts); short protein forms A112T, A116T, A143T, A89T.
Identifiers: ClinVar variation 597953 (VCV000597953.29), dbSNP rs144396411, ClinGen allele CA5072977.
Genomic context (GRCh38, chr9:69,218,351, plus strand): 5'-CCCATGGAGGATGTGCTTCATTCGTTTGCAGTTCAGCAGCTCAGAAAAAGTGGGAAGGTC[G>A]CTGCTATTGTAAGTACTGGGTTTGCTTTCAGCTTGCCTTAATAGCATTTTGGTTTTTTGC-3'
Protein context (NP_004808.2, residues 102-122): VQQLRKSGKV[Ala112Thr]AIVVKRPRKV